The following is an entry in ClinVar:

NM_001267550.2(TTN):c.66460C>T (p.Gln22154Ter)

Genes: TTN (titin; minus strand), TTN-AS1 (TTN antisense RNA 1; plus strand). Cytogenetic location: 2q31.2.
Variant type: single nucleotide variant.
Coding change: c.66460C>T on transcript NM_001267550.2 (MANE Select); coding-DNA position 66460, C replaced by T.
Protein change: p.Gln22154Ter; replaces glutamine 22154 with a stop codon.
Molecular consequence: nonsense.
Genome position (GRCh38, 1-based): chr2:178,581,909, G>A on the plus strand (C>T on the coding strand, the complement: TTN is on the minus strand). VCF-style: chr2-178581909-G-A. GRCh37 (hg19) VCF-style: chr2-179446636-G-A.
Other names: c.61537C>T, p.Gln20513Ter (NM_001256850.1); c.39265C>T, p.Gln13089Ter (NM_003319.4); c.58756C>T, p.Gln19586Ter (NM_133378.4); c.39640C>T, p.Gln13214Ter (NM_133432.3); c.39841C>T, p.Gln13281Ter (NM_133437.4); short protein forms Q13089*, Q22154*, Q13214*, Q20513*, Q19586*, Q13281*.
Identifiers: ClinVar variation 2924343 (VCV002924343.3), dbSNP rs2469006402, ClinGen allele CA349429094.

ClinVar aggregate classification (germline): Likely pathogenic (1 of 4 stars; one submission).

Conditions:
Dilated cardiomyopathy 1G (CMD1G). Identifiers: Orphanet 154, MedGen C1858763, MONDO:0011400, OMIM 604145.
Autosomal recessive limb-girdle muscular dystrophy type 2J (LGMDR10). Also called: Limb-girdle muscular dystrophy, type 2J; MUSCULAR DYSTROPHY, LIMB-GIRDLE, AUTOSOMAL RECESSIVE 10. Identifiers: Orphanet 140922, MedGen C1837342, MONDO:0012127, OMIM 608807.

Submission:

Labcorp Genetics (formerly Invitae), Labcorp
Classification: Likely pathogenic for Dilated cardiomyopathy 1G; Autosomal recessive limb-girdle muscular dystrophy type 2J. Last evaluated: 2025-08-16. Review status: criteria provided, single submitter. Criteria: Invitae Variant Classification Sherloc (09022015). Collection method: clinical testing. Allele origin: germline.
Comment: This sequence change creates a premature translational stop signal (p.Gln22154*) in the TTN gene. While this is not anticipated to result in nonsense mediated decay, it is expected to create a truncated TTN protein. This variant is not present in population databases (gnomAD no frequency). This variant has not been reported in the literature in individuals affected with TTN-related conditions. ClinVar contains an entry for this variant (Variation ID: 2924343). This variant is located in the A band of TTN (PMID: 25589632). Truncating variants in this region are significantly overrepresented in patients affected with dilated cardiomyopathy (PMID: 25589632). Truncating variants in this region have also been reported in individuals affected with autosomal recessive centronuclear myopathy (PMID: 23975875). In summary, the currently available evidence indicates that the variant is pathogenic, but additional data are needed to prove that conclusively. Therefore, this variant has been classified as Likely Pathogenic.

Literature cited by the submitters: PubMed 25589632; PubMed 23975875.